The following is an entry in ClinVar:

NM_181741.4(ORC4):c.302G>T (p.Gly101Val)

Gene: ORC4 (origin recognition complex subunit 4; minus strand). Cytogenetic location: 2q23.1.
Variant type: single nucleotide variant.
Coding change: c.302G>T on transcript NM_181741.4 (MANE Select); coding-DNA position 302, G replaced by T.
Protein change: p.Gly101Val; replaces glycine 101 with valine.
Molecular consequence: missense variant.
Genome position (GRCh38, 1-based): chr2:147,958,383, C>A on the plus strand (G>T on the coding strand, the complement: ORC4 is on the minus strand). VCF-style: chr2-147958383-C-A. GRCh37 (hg19) VCF-style: chr2-148715952-C-A.
Other names: c.302G>T, p.Gly101Val (NM_001190879.3, NM_001374270.1, NM_002552.5 and 1 more transcripts); c.50G>T, p.Gly17Val (NM_001190881.3, NM_001374272.1); c.80G>T, p.Gly27Val (NM_001190882.3); short protein forms G17V, G101V, G27V.
Identifiers: ClinVar variation 1911961 (VCV001911961.5), dbSNP rs1298062783, ClinGen allele CA348714348.

ClinVar aggregate classification (germline): Uncertain significance. Review status: criteria provided, multiple submitters, no conflicts (2 of 4 stars). 2 submissions from 2 submitters: Uncertain significance (2). Last evaluated 2025-11-25.

Conditions:
Inborn genetic diseases. Identifiers: MedGen C0950123, MeSH D030342.

Allele frequency attached by ClinVar (database versions not stated): gnomAD exomes below 0.00001; gnomAD 0.00001.

Submissions (2):

Ambry Genetics
Classification: Uncertain significance for Inborn genetic diseases. Last evaluated: 2025-11-25. Review status: criteria provided, single submitter. Criteria: Ambry Variant Classification Scheme 2023. Collection method: clinical testing. Allele origin: germline.

Labcorp Genetics (formerly Invitae), Labcorp
Classification: Uncertain significance. Last evaluated: 2025-09-15. Review status: criteria provided, single submitter. Criteria: Invitae Variant Classification Sherloc (09022015). Collection method: clinical testing. Allele origin: germline.
Comment: This sequence change replaces glycine, which is neutral and non-polar, with valine, which is neutral and non-polar, at codon 101 of the ORC4 protein (p.Gly101Val). This variant is present in population databases (no rsID available, gnomAD 0.0009%). This variant has not been reported in the literature in individuals affected with ORC4-related conditions. ClinVar contains an entry for this variant (Variation ID: 1911961). An algorithm developed to predict the effect of missense changes on protein structure and function (PolyPhen-2) suggests that this variant is likely to be disruptive. In summary, the available evidence is currently insufficient to determine the role of this variant in disease. Therefore, it has been classified as a Variant of Uncertain Significance.